The following is an entry in ClinVar:

ClinVar aggregate classification (germline): Pathogenic/Likely pathogenic. Review status: criteria provided, multiple submitters, no conflicts (2 of 4 stars). 4 submissions from 4 submitters: Pathogenic (2); Likely pathogenic (1). 1 of the submissions does not count toward it. Last evaluated 2025-08-06.

Conditions:
KCNH2-related disorder. Also called: KCNH2-related disorders; KCNH2-related condition.
Cardiovascular phenotype. Identifiers: MedGen CN230736.
Familial long QT syndrome (RWS). Also called: Congenital long QT syndrome; Romano-Ward syndrome; VENTRICULAR FIBRILLATION WITH PROLONGED QT INTERVAL. Identifiers: Orphanet 768, MedGen C1141890, MONDO:0019171.

Submissions (4):

Ambry Genetics
Classification: Likely pathogenic for Cardiovascular phenotype. Last evaluated: 2025-08-06. Review status: criteria provided, single submitter. Criteria: Ambry Variant Classification Scheme 2023. Collection method: clinical testing. Allele origin: germline.
Comment: The p.T474I variant (also known as c.1421C>T), located in coding exon 6 of the KCNH2 gene, results from a C to T substitution at nucleotide position 1421. The threonine at codon 474 is replaced by isoleucine, an amino acid with similar properties. This alteration has been reported in probands with long QT syndrome, though clinical information was often limited (Tanaka T et al. Circulation. 1997 Feb;95:565-7; Lieve KV et al. Genet Test Mol Biomarkers. 2013;17:553-61; Ishibashi K et al. Heart. 2017;103:1374-1379). This variant was reported to segregate with disease in one Japanese family; however, the segregation data were not provided (Tanaka T et al. Circulation. 1997 Feb;95:565-7). Functional studies suggest that this alteration causes a trafficking defect and results in reduced KCNH2 function (Nakajima T et al. Circ. Res. 1998;83:415-22; Anderson CL et al. Circulation. 2006;113:365-73; Jou CJ et al. Circ. Res. 2013;112:826-30; Zhang Y et al. Front Pharmacol. 2022 Oct;13:1010119). This variant is considered to be rare based on population cohorts in the Genome Aggregation Database (gnomAD). This amino acid position is highly conserved in available vertebrate species. In addition, this alteration is predicted to be deleterious by in silico analysis. Based on the majority of available evidence to date, this variant is likely to be pathogenic.

Blueprint Genetics
Classification: Pathogenic for KCNH2-related disorders. Last evaluated: 2021-11-11. Review status: criteria provided, single submitter. Criteria: ACMG Guidelines, 2015. Collection method: clinical testing. Allele origin: germline. Affected: yes. Observed: 1 variant allele.

GeneDx
Classification: Pathogenic. Last evaluated: 2014-10-10. Review status: criteria provided, single submitter. Criteria: GeneDx Variant Classification (06012015). Collection method: clinical testing. Allele origin: germline. Affected: yes.
Comment: The Thr474Ile mutation in the KCNH2 gene has been published previously in association with LQTS. Tanaka et al. (1997) reported the Thr474Ile mutation co-segregating with LQTS in a Japanese family, and did not detect the mutation in 80 normal individuals.Thr474Ile, which occurs in the S2-S3 region of KCNH2, represents a non-conservative amino acid replacement of a polar Threonine residue with a non-polar Isoleucine residue at a position in the protein that is highly conserved across species throughout evolution. Mutations affecting nearby codons (Asn470Asp, Thr473Asn, Tyr475Cys, Val476Ile) have been reported in association with LQTS, further supporting the functional importance of this region of the protein. Furthermore, Thr474Ile was not detected in up to 600 control chromosomes of African American and Caucasian ethnic groups tested at GeneDx, indicating it is not a common benign polymorphism in these populations. The variant is found in LQT panel(s).

Cardiovascular Biomedical Research Unit, Royal Brompton & Harefield NHS Foundation Trust
No classification provided. Condition: Familial long QT syndrome. Review status: no classification provided. Collection method: literature only. Allele origin: germline. Not counted in ClinVar's aggregate classification.
Comment: This variant has been reported as associated with Long QT syndrome in the following publications (PMID:9024139;PMID:16432067;PMID:9694858). This is a literature report, and does not necessarily reflect the clinical interpretation of the Imperial College / Royal Brompton Cardiovascular Genetics laboratory.

Literature cited by the submitters: PubMed 16432067 (cited by Ambry Genetics and Cardiovascular Biomedical Research Unit, Royal Brompton & Harefield NHS Foundation Trust); PubMed 19490267 (cited by Ambry Genetics); PubMed 23303164 (cited by Ambry Genetics); PubMed 23631430 (cited by Ambry Genetics); PubMed 27059892 (cited by Ambry Genetics); PubMed 28292826 (cited by Ambry Genetics); PubMed 36339618 (cited by Ambry Genetics); PubMed 9024139 (cited by Ambry Genetics and Cardiovascular Biomedical Research Unit, Royal Brompton & Harefield NHS Foundation Trust); PubMed 9721698 (cited by Ambry Genetics); PubMed 9694858 (cited by Cardiovascular Biomedical Research Unit, Royal Brompton & Harefield NHS Foundation Trust); PubMed 22581653 (cited by Cardiovascular Biomedical Research Unit, Royal Brompton & Harefield NHS Foundation Trust).

NM_000238.4(KCNH2):c.1421C>T (p.Thr474Ile)

Gene: KCNH2 (potassium voltage-gated channel subfamily H member 2; minus strand). Cytogenetic location: 7q36.1.
Variant type: single nucleotide variant.
Coding change: c.1421C>T on transcript NM_000238.4 (MANE Select); coding-DNA position 1421, C replaced by T.
Protein change: p.Thr474Ile; replaces threonine 474 with isoleucine.
Molecular consequence: missense variant.
Genome position (GRCh38, 1-based): chr7:150,952,561, G>A on the plus strand (C>T on the coding strand, the complement: KCNH2 is on the minus strand). VCF-style: chr7-150952561-G-A. GRCh37 (hg19) VCF-style: chr7-150649649-G-A.
Other names: p.T474I:ACC>ATC; c.1421C>T (LRG_288t1); c.401C>T, p.Thr134Ile (NM_001204798.2, NM_172057.3); c.1133C>T, p.Thr378Ile (NM_001406753.1, NM_001406756.1); c.1244C>T, p.Thr415Ile (NM_001406755.1); c.1121C>T, p.Thr374Ile (NM_001406757.1); c.1421C>T, p.Thr474Ile (NM_172056.3); short protein forms T134I, T474I, T415I, T374I, T378I.
Identifiers: ClinVar variation 67198 (VCV000067198.8), dbSNP rs199472906, ClinGen allele CA004610.